The following is an entry in ClinVar:

ClinVar aggregate classification (germline): Uncertain significance. Review status: criteria provided, multiple submitters, no conflicts (2 of 4 stars). 4 submissions from 4 submitters: Uncertain significance (4). Last evaluated 2026-01-28.

Conditions:
COL1A2-related disorder. Also called: COL1A2-Related Disorders; COL1A2-related condition.
Cardiovascular phenotype. Identifiers: MedGen CN230736.
Osteogenesis imperfecta type I (OI1). Also called: Lobstein's Disease; Classic Non-deforming Osteogenesis Imperfecta with Blue Sclerae; OI, TYPE I; OSTEOGENESIS IMPERFECTA TARDA; OSTEOGENESIS IMPERFECTA WITH BLUE SCLERAE; Lobstein disease. Identifiers: Orphanet 216796, Orphanet 666, MedGen C0023931, MONDO:0008146, OMIM 166200. Disease mechanism: loss of function.
Ehlers-Danlos syndrome, classic type, 1 (EDSCL1). Also called: Ehlers-Danlos syndrome, type 1; EHLERS-DANLOS SYNDROME, GRAVIS TYPE; EHLERS-DANLOS SYNDROME, SEVERE CLASSIC TYPE; EDS I; Ehlers-Danlos Syndrome, Classic Type, COL5A1-Related. Identifiers: MedGen C0268335, MONDO:0019567, OMIM 130000.

Allele frequency attached by ClinVar (database versions not stated): gnomAD exomes 0.00001 and 0.00002; TOPMed 0.00001; ExAC 0.00002; gnomAD 0.00002.
gnomAD v4.1: 13 of 1,614,040 alleles (0.00081%); highest among the groups gnomAD compares: East Asian, 0.022%; no homozygotes.

Submissions (4):

PreventionGenetics, part of Exact Sciences
Classification: Uncertain significance for COL1A2-related condition. Last evaluated: 2026-01-28. Review status: criteria provided, single submitter. Criteria: ACMG Guidelines, 2015. Collection method: clinical testing. Allele origin: germline.
Comment: The COL1A2 c.2959G>A variant is predicted to result in the amino acid substitution p.Val987Ile. To our knowledge, this variant has not been reported in the literature. This variant is reported in 0.033% of alleles in individuals of East Asian descent in gnomAD. At this time, the clinical significance of this variant is uncertain due to the absence of conclusive functional and genetic evidence.

Labcorp Genetics (formerly Invitae), Labcorp
Classification: Uncertain significance for Osteogenesis imperfecta type I; Ehlers-Danlos syndrome, classic type, 1. Last evaluated: 2025-07-22. Review status: criteria provided, single submitter. Criteria: Invitae Variant Classification Sherloc (09022015). Collection method: clinical testing. Allele origin: germline.
Comment: This sequence change replaces valine, which is neutral and non-polar, with isoleucine, which is neutral and non-polar, at codon 987 of the COL1A2 protein (p.Val987Ile). This variant is present in population databases (rs752207083, gnomAD 0.02%). This variant has not been reported in the literature in individuals affected with COL1A2-related conditions. ClinVar contains an entry for this variant (Variation ID: 962367). Invitae Evidence Modeling of protein sequence and biophysical properties (such as structural, functional, and spatial information, amino acid conservation, physicochemical variation, residue mobility, and thermodynamic stability) indicates that this missense variant is not expected to disrupt COL1A2 protein function with a negative predictive value of 95%. In summary, the available evidence is currently insufficient to determine the role of this variant in disease. Therefore, it has been classified as a Variant of Uncertain Significance.

Athena Diagnostics
Classification: Uncertain significance. Last evaluated: 2022-06-07. Review status: criteria provided, single submitter. Criteria: Athena Diagnostics Criteria. Collection method: clinical testing. Allele origin: unknown.

Ambry Genetics
Classification: Uncertain significance for Cardiovascular phenotype. Last evaluated: 2019-03-04. Review status: criteria provided, single submitter. Criteria: Ambry Variant Classification Scheme 2023. Collection method: clinical testing. Allele origin: germline.
Comment: The p.V987I variant (also known as c.2959G>A), located in coding exon 45 of the COL1A2 gene, results from a G to A substitution at nucleotide position 2959. The valine at codon 987 is replaced by isoleucine, an amino acid with highly similar properties. This amino acid position is well conserved in available vertebrate species. In addition, this alteration is predicted to be tolerated by in silico analysis. Since supporting evidence is limited at this time, the clinical significance of this alteration remains unclear.

NM_000089.4(COL1A2):c.2959G>A (p.Val987Ile)

Gene: COL1A2 (collagen type I alpha 2 chain; plus strand). Cytogenetic location: 7q21.3.
Variant type: single nucleotide variant.
Coding change: c.2959G>A on transcript NM_000089.4 (MANE Select); coding-DNA position 2959, G replaced by A.
Protein change: p.Val987Ile; replaces valine 987 with isoleucine.
Molecular consequence: missense variant.
Genome position (GRCh38, 1-based): chr7:94,426,013, G>A. VCF-style: chr7-94426013-G-A. GRCh37 (hg19) VCF-style: chr7-94055325-G-A.
Other names: short protein forms V987I.
Identifiers: ClinVar variation 962367 (VCV000962367.14), dbSNP rs752207083, ClinGen allele CA4347622.